The following is an entry in ClinVar:

ClinVar aggregate classification (germline): Uncertain significance. Review status: criteria provided, multiple submitters, no conflicts (2 of 4 stars). 2 submissions from 2 submitters: Uncertain significance (2). Last evaluated 2024-10-16.

Conditions:
Inborn genetic diseases. Identifiers: MedGen C0950123, MeSH D030342.
Mucopolysaccharidosis, MPS-III-A (MPS3A). Also called: HEPARAN SULFATE SULFATASE DEFICIENCY; SANFILIPPO SYNDROME A; SULFAMIDASE DEFICIENCY; MPS III A; Mucopolysaccharidosis, type IIIA; MUCOPOLYSACCHARIDOSIS, TYPE IIIA, ATTENUATED. Identifiers: Orphanet 581, Orphanet 79269, MedGen C0086647, MONDO:0009655, OMIM 252900.

Allele frequency attached by ClinVar (database versions not stated): TOPMed 0.00002; ExAC 0.00002.
gnomAD v4.1: 11 of 1,611,852 alleles (0.00068%); highest among the groups gnomAD compares: Admixed American, 0.0033%; no homozygotes.

Submissions (2):

Ambry Genetics
Classification: Uncertain significance for Inborn genetic diseases. Last evaluated: 2024-10-16. Review status: criteria provided, single submitter. Criteria: Ambry Variant Classification Scheme 2023. Collection method: clinical testing. Allele origin: germline.

Labcorp Genetics (formerly Invitae), Labcorp
Classification: Uncertain significance for Mucopolysaccharidosis, MPS-III-A. Last evaluated: 2022-08-09. Review status: criteria provided, single submitter. Criteria: Invitae Variant Classification Sherloc (09022015). Collection method: clinical testing. Allele origin: germline.
Comment: This sequence change replaces threonine, which is neutral and polar, with isoleucine, which is neutral and non-polar, at codon 211 of the SGSH protein (p.Thr211Ile). The frequency data for this variant in the population databases is considered unreliable, as metrics indicate poor data quality at this position in the gnomAD database. This variant has not been reported in the literature in individuals affected with SGSH-related conditions. Algorithms developed to predict the effect of missense changes on protein structure and function (SIFT, PolyPhen-2, Align-GVGD) all suggest that this variant is likely to be tolerated. In summary, the available evidence is currently insufficient to determine the role of this variant in disease. Therefore, it has been classified as a Variant of Uncertain Significance.

NM_000199.5(SGSH):c.632C>T (p.Thr211Ile)

Gene: SGSH (N-sulfoglucosamine sulfohydrolase; minus strand). Cytogenetic location: 17q25.3.
Variant type: single nucleotide variant.
Coding change: c.632C>T on transcript NM_000199.5 (MANE Select); coding-DNA position 632, C replaced by T.
Protein change: p.Thr211Ile; replaces threonine 211 with isoleucine.
Molecular consequence: missense variant. On other transcripts: non-coding transcript variant (1).
Genome position (GRCh38, 1-based): chr17:80,214,203, G>A on the plus strand (C>T on the coding strand, the complement: SGSH is on the minus strand). VCF-style: chr17-80214203-G-A. GRCh37 (hg19) VCF-style: chr17-78188002-G-A.
Other names: c.632C>T, p.Thr211Ile (NM_001352921.3, NM_001352922.2); c.632C>T (NM_000199.3); short protein forms T211I.
Identifiers: ClinVar variation 2139770 (VCV002139770.2), dbSNP rs746508510, ClinGen allele CA8817931.